The following is an entry in ClinVar:

ClinVar aggregate classification (germline): Uncertain significance (1 of 4 stars; one submission).

Conditions:
Cardiovascular phenotype. Identifiers: MedGen CN230736.

Allele frequency attached by ClinVar (database versions not stated): gnomAD exomes below 0.00001; ExAC 0.00001.

Submission:

Ambry Genetics
Classification: Uncertain significance for Cardiovascular phenotype. Last evaluated: 2021-06-17. Review status: criteria provided, single submitter. Criteria: Ambry Variant Classification Scheme 2023. Collection method: clinical testing. Allele origin: germline.
Comment: The p.D177N variant (also known as c.529G>A), located in coding exon 2 of the GDF2 gene, results from a G to A substitution at nucleotide position 529. The aspartic acid at codon 177 is replaced by asparagine, an amino acid with highly similar properties. This amino acid position is not well conserved in available vertebrate species. Since supporting evidence is limited at this time, the clinical significance of this alteration remains unclear.

NM_016204.4(GDF2):c.529G>A (p.Asp177Asn)

Gene: GDF2 (growth differentiation factor 2; plus strand). Cytogenetic location: 10q11.22.
Variant type: single nucleotide variant.
Coding change: c.529G>A on transcript NM_016204.4 (MANE Select); coding-DNA position 529, G replaced by A.
Protein change: p.Asp177Asn; replaces aspartic acid 177 with asparagine.
Molecular consequence: missense variant.
Genome position (GRCh38, 1-based): chr10:47,325,023, G>A. VCF-style: chr10-47325023-G-A. GRCh37 (hg19) VCF-style: chr10-48414339-C-T.
Other names: short protein forms D177N.
Identifiers: ClinVar variation 1746675 (VCV001746675.2), dbSNP rs782304973, ClinGen allele CA5488087.
Genomic context (GRCh38, chr10:47,325,023, plus strand): 5'-CAAAATCACGTGGACCCCTCTCATGACCTGAAAGGAAGCGTGGTCATTTATGATGTTCTG[G>A]ATGGAACAGATGCCTGGGATAGTGCTACAGAGACCAAGACCTTCCTGGTGTCCCAGGACA-3'
Protein context (NP_057288.1, residues 167-187): KGSVVIYDVL[Asp177Asn]GTDAWDSATE